The following is an entry in ClinVar:

NM_003244.4(TGIF1):c.506G>A (p.Arg169His)

Gene: TGIF1 (TGFB induced factor homeobox 1; plus strand). Cytogenetic location: 18p11.31.
Variant type: single nucleotide variant.
Coding change: c.506G>A on transcript NM_003244.4 (MANE Select); coding-DNA position 506, G replaced by A.
Protein change: p.Arg169His; replaces arginine 169 with histidine.
Molecular consequence: missense variant.
Genome position (GRCh38, 1-based): chr18:3,457,627, G>A. VCF-style: chr18-3457627-G-A. GRCh37 (hg19) VCF-style: chr18-3457625-G-A.
Other names: c.515G>A, p.Arg172His (NM_001278682.2); c.506G>A, p.Arg169His (NM_001278684.2, NM_173208.3); c.446G>A, p.Arg149His (NM_001278686.3, NM_001374396.1, NM_001374397.1 and 5 more transcripts); c.548G>A, p.Arg183His (NM_173207.4); short protein forms R149H, R169H, R172H, R183H.
Identifiers: ClinVar variation 1706768 (VCV001706768.2), dbSNP rs768311015, ClinGen allele CA295567245.
Genomic context (GRCh38, chr18:3,457,627, plus strand): 5'-ACCCAACCCTAGGGAGGCCACTGTCTCCTAAGCCGTCATCCCCGGGATCAGTTTTGGCTC[G>A]TCCATCAGTGATCTGCCATACCACTGTGACTGCATTGAAAGATGTCCCTTTCTCTCTCTG-3'
Protein context (NP_003235.1, residues 159-179): KPSSPGSVLA[Arg169His]PSVICHTTVT

ClinVar aggregate classification (germline): Uncertain significance (1 of 4 stars; one submission).

Allele frequency attached by ClinVar (database versions not stated): gnomAD exomes below 0.00001; TOPMed 0.00001.
gnomAD v4.1: 2 of 1,614,158 alleles (0.00012%); highest among the groups gnomAD compares: Non-Finnish European, 0.00017%; no homozygotes.

Submission:

GeneDx
Classification: Uncertain significance. Last evaluated: 2022-03-25. Review status: criteria provided, single submitter. Criteria: GeneDx Variant Classification Process June 2021. Collection method: clinical testing. Allele origin: germline. Affected: yes.
Comment: Not observed at significant frequency in large population cohorts (gnomAD); In silico analysis supports that this missense variant does not alter protein structure/function; Has not been previously published as pathogenic or benign to our knowledge